The following is an entry in ClinVar:

ClinVar aggregate classification (germline): Uncertain significance (1 of 4 stars; one submission).

Conditions:
PLXNA2-related disorder. Also called: PLXNA2-related condition.

gnomAD v4.1: 16 of 1,613,812 alleles (0.00099%); highest among the groups gnomAD compares: Non-Finnish European, 0.0014%; no homozygotes.

Submission:

PreventionGenetics, part of Exact Sciences
Classification: Uncertain significance for PLXNA2-related condition. Last evaluated: 2025-06-10. Review status: criteria provided, single submitter. Criteria: ACMG Guidelines, 2015. Collection method: clinical testing. Allele origin: germline.
Comment: The PLXNA2 c.4039C>A variant is predicted to result in the amino acid substitution p.His1347Asn. To our knowledge, this variant has not been reported in the literature. This variant is reported in 0.00088% of alleles in individuals of European (Non-Finnish) descent in gnomAD. At this time, the clinical significance of this variant is uncertain due to the absence of conclusive functional and genetic evidence.

NM_025179.4(PLXNA2):c.4039C>A (p.His1347Asn)

Gene: PLXNA2 (plexin A2; minus strand). Cytogenetic location: 1q32.2.
Variant type: single nucleotide variant.
Coding change: c.4039C>A on transcript NM_025179.4 (MANE Select); coding-DNA position 4039, C replaced by A.
Protein change: p.His1347Asn; replaces histidine 1347 with asparagine.
Molecular consequence: missense variant.
Genome position (GRCh38, 1-based): chr1:208,042,345, G>T on the plus strand (C>A on the coding strand, the complement: PLXNA2 is on the minus strand). VCF-style: chr1-208042345-G-T. GRCh37 (hg19) VCF-style: chr1-208215690-G-T.
Other names: short protein forms H1347N.
Identifiers: ClinVar variation 4983546 (VCV004983546.1).
Genomic context (GRCh38, chr1:208,042,345, plus strand): 5'-TCAGCAGGAACACCTTGTTGTTGATGAGCTGGGCAAAGAGCTTCAGGGCCTTCTCCACGT[G>T]CTGCTGCCCGTTTCCTTGTACCTGGGGTGGGGTGTGGTGGAGGCGACGCCCTCAGAGGAC-3'
Protein context (NP_079455.3, residues 1337-1357): ELEVQGNGQQ[His1347Asn]VEKALKLFAQ